The following is an entry in ClinVar:

NC_000005.10:g.(?_132575771)_(132580072_?)del

Gene: RAD50 (RAD50 double strand break repair protein; plus strand). Cytogenetic location: 5q31.1.
Variant type: Deletion.
Identifiers: ClinVar variation 457357 (VCV000457357.5).

ClinVar aggregate classification (germline): Likely pathogenic (1 of 4 stars; one submission).

Conditions:
Hereditary cancer-predisposing syndrome. Also called: Neoplastic Syndromes, Hereditary; Tumor predisposition; Hereditary Cancer Syndrome; Hereditary neoplastic syndrome. Identifiers: Orphanet 140162, MedGen C0027672, MeSH D009386, MONDO:0015356.

Submission:

Labcorp Genetics (formerly Invitae), Labcorp
Classification: Likely pathogenic for Hereditary cancer-predisposing syndrome. Last evaluated: 2021-12-07. Review status: criteria provided, single submitter. Criteria: Invitae Variant Classification Sherloc (09022015). Collection method: clinical testing. Allele origin: germline.
Comment: In summary, the currently available evidence indicates that the variant is pathogenic, but additional data are needed to prove that conclusively. Therefore, this variant has been classified as Likely Pathogenic. This variant disrupts the N-terminal ATPase domain, which is important for RAD50 ATPase activity (PMID: 10892749, 24894818). While functional studies have not been performed to directly test the effect of this variant on RAD50 protein function, this suggests that disruption of this region of the protein is causative of disease. This variant has not been reported in the literature in individuals affected with RAD50-related conditions. This variant is a gross deletion of the genomic region encompassing exon(s) 3-5 of the RAD50 gene. This variant would be expected to be in-frame, preserving the integrity of the reading frame.

Literature cited by the submitters: PubMed 10892749; PubMed 24894818.